The following is an entry in ClinVar:

NM_000264.5(PTCH1):c.922G>A (p.Ala308Thr)

Gene: PTCH1 (patched 1; minus strand). Cytogenetic location: 9q22.32.
Variant type: single nucleotide variant.
Coding change: c.922G>A on transcript NM_000264.5 (MANE Select); coding-DNA position 922, G replaced by A.
Protein change: p.Ala308Thr; replaces alanine 308 with threonine.
Molecular consequence: missense variant. On other transcripts: non-coding transcript variant (1).
Genome position (GRCh38, 1-based): chr9:95,480,413, C>T on the plus strand (G>A on the coding strand, the complement: PTCH1 is on the minus strand). VCF-style: chr9-95480413-C-T. GRCh37 (hg19) VCF-style: chr9-98242695-C-T.
Other names: c.724G>A, p.Ala242Thr (NM_001083602.3); c.919G>A, p.Ala307Thr (NM_001083603.3); c.469G>A, p.Ala157Thr (NM_001083604.3, NM_001083605.3, NM_001083606.3 and 1 more transcripts); c.922G>A, p.Ala308Thr (NM_001354918.2); short protein forms A157T, A242T, A307T, A308T.
Identifiers: ClinVar variation 4811831 (VCV004811831.1).

ClinVar aggregate classification (germline): Uncertain significance (1 of 4 stars; one submission).

Conditions:
Gorlin syndrome. Also called: Basal cell nevus syndrome; Nevoid Basal Cell Carcinoma Syndrome. Identifiers: Orphanet 377, MedGen C0004779, MONDO:0007187.

gnomAD v4.1: 2 of 1,610,942 alleles (0.00012%); highest among the groups gnomAD compares: African/African-American, 0.0014%; no homozygotes.

Submission:

Labcorp Genetics (formerly Invitae), Labcorp
Classification: Uncertain significance for Gorlin syndrome. Last evaluated: 2025-06-01. Review status: criteria provided, single submitter. Criteria: Invitae Variant Classification Sherloc (09022015). Collection method: clinical testing. Allele origin: germline.
Comment: This sequence change replaces alanine, which is neutral and non-polar, with threonine, which is neutral and polar, at codon 308 of the PTCH1 protein (p.Ala308Thr). This variant is present in population databases (rs773704443, gnomAD no frequency). This variant has not been reported in the literature in individuals affected with PTCH1-related conditions. Invitae Evidence Modeling of protein sequence and biophysical properties (such as structural, functional, and spatial information, amino acid conservation, physicochemical variation, residue mobility, and thermodynamic stability) has been performed for this missense variant. However, the output from this modeling did not meet the statistical confidence thresholds required to predict the impact of this variant on PTCH1 protein function. In summary, the available evidence is currently insufficient to determine the role of this variant in disease. Therefore, it has been classified as a Variant of Uncertain Significance.